The following is an entry in ClinVar:

NM_000051.4(ATM):c.8923del (p.Glu2975fs)

Genes: ATM (ATM serine/threonine kinase; plus strand), C11orf65 (chromosome 11 open reading frame 65; minus strand). Cytogenetic location: 11q22.3.
Variant type: Deletion.
Coding change: c.8923del on transcript NM_000051.4 (MANE Select); coding-DNA position 8923, one base deleted (G; older notation c.8923delG).
Protein change: p.Glu2975fs; shifts the reading frame from glutamic acid 2975.
Molecular consequence: frameshift variant. On other transcripts: intron variant (2).
Genome position (GRCh38, 1-based): chr11:108,365,154, G deleted; the last of 2 consecutive G bases (chr11:108,365,153-108,365,154); deleting either gives the same sequence. VCF-style (leftmost placement, unchanged base first): chr11-108365152-CG-C. GRCh37 (hg19) VCF-style: chr11-108235879-CG-C.
Other names: c.8923del, p.Glu2975fs (NM_001351834.2); c.640+20767del (NM_001330368.2); c.694+20767del (NM_001351110.2); short protein forms E2975fs.
Identifiers: ClinVar variation 1070072 (VCV001070072.49), dbSNP rs2137879945, ClinGen allele CA2499220742.

ClinVar aggregate classification (germline): Pathogenic. Review status: criteria provided, multiple submitters, no conflicts (2 of 4 stars). 2 submissions from 2 submitters: Pathogenic (2). Last evaluated 2025-05-17.

Conditions:
Familial cancer of breast. Also called: Hereditary breast cancer; hereditary breast carcinoma; BREAST CANCER, FAMILIAL. Identifiers: Orphanet 227535, MedGen C0346153, MONDO:0016419, OMIM 114480. Disease mechanism: loss of function.
Ataxia-telangiectasia syndrome (AT). Also called: Ataxia telangiectasia (A-T); ATAXIA-TELANGIECTASIA, COMPLEMENTATION GROUP A; ATAXIA-TELANGIECTASIA, FRESNO VARIANT; Ataxia-telangiectasia; Ataxia-telangiectasia, complementation group E; LOUIS-BAR SYNDROME. Identifiers: Orphanet 100, MedGen C0004135, MONDO:0008840, OMIM 208900.

Submissions (2):

Labcorp Genetics (formerly Invitae), Labcorp
Classification: Pathogenic for Ataxia-telangiectasia syndrome. Last evaluated: 2025-05-17. Review status: criteria provided, single submitter. Criteria: Invitae Variant Classification Sherloc (09022015). Collection method: clinical testing. Allele origin: germline.
Comment: This sequence change creates a premature translational stop signal (p.Glu2975Lysfs*10) in the ATM gene. While this is not anticipated to result in nonsense mediated decay, it is expected to disrupt the last 82 amino acid(s) of the ATM protein. This variant is not present in population databases (gnomAD no frequency). This variant has not been reported in the literature in individuals affected with ATM-related conditions. ClinVar contains an entry for this variant (Variation ID: 1070072). This variant disrupts a region of the ATM protein in which other variant(s) (p.Arg2993*, p.Arg3047*) have been determined to be pathogenic (PMID: 8755918, 12815592, 16238588, 18560558, 20840352, 23774824, 26628246). This suggests that this is a clinically significant region of the protein, and that variants that disrupt it are likely to be disease-causing. For these reasons, this variant has been classified as Pathogenic.

Myriad Genetics, Inc.
Classification: Pathogenic for Familial cancer of breast. Last evaluated: 2024-02-06. Review status: criteria provided, single submitter. Criteria: Myriad Autosomal Dominant, Autosomal Recessive and X-Linked Classification Criteria (2023). Collection method: clinical testing. Allele origin: unknown.
Comment: This variant is considered pathogenic. This variant creates a frameshift predicted to result in premature protein truncation.

Literature cited by the submitters: PubMed 8755918 (cited by Labcorp Genetics (formerly Invitae), Labcorp); PubMed 12815592 (cited by Labcorp Genetics (formerly Invitae), Labcorp); PubMed 16238588 (cited by Labcorp Genetics (formerly Invitae), Labcorp); PubMed 18560558 (cited by Labcorp Genetics (formerly Invitae), Labcorp); PubMed 20840352 (cited by Labcorp Genetics (formerly Invitae), Labcorp); PubMed 23774824 (cited by Labcorp Genetics (formerly Invitae), Labcorp); PubMed 26628246 (cited by Labcorp Genetics (formerly Invitae), Labcorp).